The following is an entry in ClinVar:

NC_000006.11:g.(?_85446403)_(85473899_?)dup

Gene: TBX18 (T-box transcription factor 18; minus strand). Cytogenetic location: 6q14.3.
Variant type: Duplication.
Identifiers: ClinVar variation 3246087 (VCV003246087.1).

ClinVar aggregate classification (germline): Uncertain significance (1 of 4 stars; one submission).

Submission:

Labcorp Genetics (formerly Invitae), Labcorp
Classification: Uncertain significance. Last evaluated: 2022-11-03. Review status: criteria provided, single submitter. Criteria: Invitae Variant Classification Sherloc (09022015). Collection method: clinical testing. Allele origin: unknown.
Comment: In summary, the available evidence is currently insufficient to determine the role of this variant in disease. Therefore, it has been classified as a Variant of Uncertain Significance. A similar copy number variant has been observed in individual(s) with congenital anomalies of the kidneys and urinary tract (PMID: 30578417). A copy number gain of the genomic region encompassing the full coding sequence of the TBX18 gene has been identified. The boundaries of this event are unknown as they extend beyond the assayed region for this gene and therefore may encompass additional genes. As the precise location of this event is unknown, it may be in tandem or it may be located elsewhere in the genome.

Literature cited by the submitters: PubMed 30578417.